The following is an entry in ClinVar:

ClinVar aggregate classification (germline): Likely benign (1 of 4 stars; one submission).

Conditions:
LRFN5-related disorder. Also called: LRFN5-related condition.

gnomAD v4.1: 10 of 1,614,080 alleles (0.00062%); highest among the groups gnomAD compares: Middle Eastern, 0.016%; no homozygotes.

Submission:

PreventionGenetics, part of Exact Sciences
Classification: Likely benign for LRFN5-related condition. Last evaluated: 2026-06-11. Review status: criteria provided, single submitter. Criteria: ACMG Guidelines, 2015. Collection method: clinical testing. Allele origin: germline.
Comment: This variant is classified as likely benign based on ACMG/AMP sequence variant interpretation guidelines (Richards et al. 2015 PMID: 25741868, with internal and published modifications).

NM_152447.5(LRFN5):c.1836A>G (p.Gln612=)

Gene: LRFN5 (leucine rich repeat and fibronectin type III domain containing 5; plus strand). Cytogenetic location: 14q21.1.
Variant type: single nucleotide variant.
Coding change: c.1836A>G on transcript NM_152447.5 (MANE Select); coding-DNA position 1836, A replaced by G.
Protein change: p.Gln612=; no amino-acid change (glutamine 612 retained).
Molecular consequence: synonymous variant. On other transcripts: non-coding transcript variant (2), intron variant (2).
Genome position (GRCh38, 1-based): chr14:41,891,700, A>G. VCF-style: chr14-41891700-A-G. GRCh37 (hg19) VCF-style: chr14-42360903-A-G.
Other names: c.1836A>G, p.Gln612= (NM_001346173.2); c.1385+3690A>G (NM_001330106.2, NM_001346175.2).
Identifiers: ClinVar variation 4978362 (VCV004978362.1).